The following is an entry in ClinVar:

ClinVar aggregate classification (germline): Conflicting classifications of pathogenicity. Review status: criteria provided, conflicting classifications (1 of 4 stars). 2 submissions from 2 submitters: Likely pathogenic (1); Uncertain significance (1). Last evaluated 2026-08-27.

Conditions:
Chilton-Okur-Chung neurodevelopmental syndrome (CHOCNS). Identifiers: MedGen C5677022, MONDO:0859239, OMIM 619841.

Submissions (2):

GeneDx
Classification: Uncertain significance. Last evaluated: 2026-08-27. Review status: criteria provided, single submitter. Criteria: GeneDx Variant Classification Process June 2021. Collection method: clinical testing. Allele origin: germline.
Comment: De novo variant with confirmed parentage in a patient in published literature from a cohort of individuals with developmental disorders; however, detailed clinical information was not provided (PMID: 33057194); Not observed at significant frequency in large population cohorts (gnomAD); In silico analysis supports that this missense variant has a deleterious effect on protein structure/function; This variant is associated with the following publications: (PMID: 35982159, 33057194, Duz2026[Article])

Wendy Chung Laboratory, Boston Children's Hospital
Classification: Likely pathogenic for Chilton-Okur-Chung neurodevelopmental syndrome. Last evaluated: 2026-07-01. Review status: criteria provided, single submitter. Criteria: ACMG Guidelines, 2015. Collection method: clinical testing. Allele origin: germline. Affected: yes.

NM_006035.4(CDC42BPB):c.3152G>A (p.Arg1051Gln)

Gene: CDC42BPB (CDC42 binding protein kinase beta; minus strand). Cytogenetic location: 14q32.32.
Variant type: single nucleotide variant.
Coding change: c.3152G>A on transcript NM_006035.4 (MANE Select); coding-DNA position 3152, G replaced by A.
Protein change: p.Arg1051Gln; replaces arginine 1051 with glutamine.
Molecular consequence: missense variant.
Genome position (GRCh38, 1-based): chr14:102,952,518, C>T on the plus strand (G>A on the coding strand, the complement: CDC42BPB is on the minus strand). VCF-style: chr14-102952518-C-T. GRCh37 (hg19) VCF-style: chr14-103418855-C-T.
Other names: c.3074G>A, p.Arg1025Gln (NM_001411054.1); short protein forms R1025Q, R1051Q.
Identifiers: ClinVar variation 3903267 (VCV003903267.3).